The following is an entry in ClinVar:

NM_014806.5(RUSC2):c.464T>A (p.Val155Glu)

Gene: RUSC2 (RUN and SH3 domain containing 2; plus strand). Cytogenetic location: 9p13.3.
Variant type: single nucleotide variant.
Coding change: c.464T>A on transcript NM_014806.5 (MANE Select); coding-DNA position 464, T replaced by A.
Protein change: p.Val155Glu; replaces valine 155 with glutamic acid.
Molecular consequence: missense variant. On other transcripts: non-coding transcript variant (1), intron variant (1).
Genome position (GRCh38, 1-based): chr9:35,546,985, T>A. VCF-style: chr9-35546985-T-A. GRCh37 (hg19) VCF-style: chr9-35546982-T-A.
Other names: c.464T>A, p.Val155Glu (NM_001135999.2); c.-620-8075T>A (NM_001330740.2); c.464T>A (NM_001135999.1); short protein forms V155E.
Identifiers: ClinVar variation 2077819 (VCV002077819.2), dbSNP rs370992312, ClinGen allele CA5043468.

ClinVar aggregate classification (germline): Uncertain significance. Review status: criteria provided, multiple submitters, no conflicts (2 of 4 stars). 2 submissions from 2 submitters: Uncertain significance (2). Last evaluated 2024-08-19.

Allele frequency attached by ClinVar (database versions not stated): gnomAD 0.00007; ESP Exome Variant Server 0.00023; TOPMed 0.00003; ExAC 0.00004; gnomAD exomes 0.00004.
gnomAD v4.1: 70 of 1,592,230 alleles (0.0044%); highest among the groups gnomAD compares: Non-Finnish European, 0.0058%; no homozygotes.

Submissions (2):

Ambry Genetics
Classification: Uncertain significance. Last evaluated: 2024-08-19. Review status: criteria provided, single submitter. Criteria: Ambry Variant Classification Scheme 2023. Collection method: clinical testing. Allele origin: germline.

Labcorp Genetics (formerly Invitae), Labcorp
Classification: Uncertain significance. Last evaluated: 2022-08-06. Review status: criteria provided, single submitter. Criteria: Invitae Variant Classification Sherloc (09022015). Collection method: clinical testing. Allele origin: germline.
Comment: This sequence change replaces valine, which is neutral and non-polar, with glutamic acid, which is acidic and polar, at codon 155 of the RUSC2 protein (p.Val155Glu). This variant is present in population databases (rs370992312, gnomAD 0.01%). This variant has not been reported in the literature in individuals affected with RUSC2-related conditions. Algorithms developed to predict the effect of missense changes on protein structure and function (SIFT, PolyPhen-2, Align-GVGD) all suggest that this variant is likely to be tolerated. In summary, the available evidence is currently insufficient to determine the role of this variant in disease. Therefore, it has been classified as a Variant of Uncertain Significance.